The following is an entry in ClinVar:

NM_014264.5(PLK4):c.2895G>A (p.Pro965=)

Gene: PLK4 (polo like kinase 4; plus strand). Cytogenetic location: 4q28.1.
Variant type: single nucleotide variant.
Coding change: c.2895G>A on transcript NM_014264.5 (MANE Select); coding-DNA position 2895, G replaced by A.
Protein change: p.Pro965=; no amino-acid change (proline 965 retained).
Molecular consequence: synonymous variant.
Genome position (GRCh38, 1-based): chr4:127,898,523, G>A. VCF-style: chr4-127898523-G-A. GRCh37 (hg19) VCF-style: chr4-128819678-G-A.
Other names: c.2799G>A, p.Pro933= (NM_001190799.2); c.2772G>A, p.Pro924= (NM_001190801.2).
Identifiers: ClinVar variation 436343 (VCV000436343.17), dbSNP rs6820138, ClinGen allele CA3077193.

ClinVar aggregate classification (germline): Benign/Likely benign. Review status: criteria provided, multiple submitters, no conflicts (2 of 4 stars). 4 submissions from 4 submitters: Benign (2); Likely benign (2). Last evaluated 2026-09-01.

Allele frequency attached by ClinVar (database versions not stated): gnomAD 0.00316 and 0.00338; TOPMed 0.00359; ESP Exome Variant Server 0.00369; 1000 Genomes Project 0.00399; 1000 Genomes Project 30x 0.00422.
gnomAD v4.1: 888 of 1,521,274 alleles (0.058%); highest among the groups gnomAD compares: African/African-American, 1.1%; 7 homozygotes.

Submissions (4):

CeGaT Center for Human Genetics Tuebingen
Classification: Likely benign. Last evaluated: 2026-09-01. Review status: criteria provided, single submitter. Criteria: CeGaT Center For Human Genetics Tuebingen Variant Classification Criteria Version 2. Collection method: clinical testing. Allele origin: germline. Affected: yes. Observed: 1 variant allele.
Comment: PLK4: BP4, BP7, BS1

Labcorp Genetics (formerly Invitae), Labcorp
Classification: Benign. Last evaluated: 2026-02-01. Review status: criteria provided, single submitter. Criteria: Invitae Variant Classification Sherloc (09022015). Collection method: clinical testing. Allele origin: germline.

Blueprint Genetics
Classification: Likely benign. Last evaluated: 2024-09-23. Review status: criteria provided, single submitter. Criteria: ACMG Guidelines, 2015. Collection method: clinical testing. Allele origin: germline.

Genetic Services Laboratory, University of Chicago
Classification: Benign. Last evaluated: 2017-05-17. Review status: criteria provided, single submitter. Criteria: ACMG Guidelines, 2015. Collection method: clinical testing. Allele origin: germline. Affected: no.